The following is an entry in ClinVar:

NM_000051.4(ATM):c.2385A>G (p.Pro795=)

Gene: ATM (ATM serine/threonine kinase; plus strand). Cytogenetic location: 11q22.3.
Variant type: single nucleotide variant.
Coding change: c.2385A>G on transcript NM_000051.4 (MANE Select); coding-DNA position 2385, A replaced by G.
Protein change: p.Pro795=; no amino-acid change (proline 795 retained).
Molecular consequence: synonymous variant.
Genome position (GRCh38, 1-based): chr11:108,258,994, A>G. VCF-style: chr11-108258994-A-G. GRCh37 (hg19) VCF-style: chr11-108129721-A-G.
Other names: c.2385A>G (NM_000051.3); c.2385A>G, p.Pro795= (NM_001351834.2).
Identifiers: ClinVar variation 1133036 (VCV001133036.11), dbSNP rs2135420750, ClinGen allele CA476672810.

ClinVar aggregate classification (germline): Benign/Likely benign. Review status: criteria provided, multiple submitters, no conflicts (2 of 4 stars). 3 submissions from 3 submitters: Benign (1); Likely benign (2). Last evaluated 2024-05-08.

Conditions:
Familial cancer of breast. Also called: Hereditary breast cancer; BREAST CANCER, FAMILIAL; hereditary breast carcinoma. Identifiers: Orphanet 227535, MedGen C0346153, MONDO:0016419, OMIM 114480. Disease mechanism: loss of function.
Hereditary cancer-predisposing syndrome. Also called: Neoplastic Syndromes, Hereditary; Hereditary neoplastic syndrome; Tumor predisposition; Hereditary Cancer Syndrome. Identifiers: Orphanet 140162, MedGen C0027672, MeSH D009386, MONDO:0015356.
Ataxia-telangiectasia syndrome (AT). Also called: ATAXIA-TELANGIECTASIA, COMPLEMENTATION GROUP A; Ataxia telangiectasia (A-T); Cerebello-oculocutaneous telangiectasia; Immunodeficiency with ataxia telangiectasia; ATAXIA-TELANGIECTASIA, FRESNO VARIANT; Ataxia-telangiectasia, complementation group D. Identifiers: Orphanet 100, MedGen C0004135, MONDO:0008840, OMIM 208900.

Submissions (3):

Myriad Genetics, Inc.
Classification: Benign for Familial cancer of breast. Last evaluated: 2024-05-08. Review status: criteria provided, single submitter. Criteria: Myriad Autosomal Dominant, Autosomal Recessive and X-Linked Classification Criteria (2023). Collection method: clinical testing. Allele origin: unknown.
Comment: This variant is considered benign. This variant is a silent/synonymous amino acid change and it is not expected to impact splicing.

Ambry Genetics
Classification: Likely benign for Hereditary cancer-predisposing syndrome. Last evaluated: 2023-02-16. Review status: criteria provided, single submitter. Criteria: Ambry Variant Classification Scheme 2023. Collection method: clinical testing. Allele origin: germline.

Labcorp Genetics (formerly Invitae), Labcorp
Classification: Likely benign for Ataxia-telangiectasia syndrome. Last evaluated: 2021-07-06. Review status: criteria provided, single submitter. Criteria: Invitae Variant Classification Sherloc (09022015). Collection method: clinical testing. Allele origin: germline.